The following is an entry in ClinVar:

ClinVar aggregate classification (germline): Uncertain significance (1 of 4 stars; one submission).

Submission:

GeneDx
Classification: Uncertain significance. Last evaluated: 2026-03-23. Review status: criteria provided, single submitter. Criteria: GeneDx Variant Classification Process June 2021. Collection method: clinical testing. Allele origin: germline.
Comment: Not observed at significant frequency in large population cohorts (gnomAD); In-frame deletion of 11 amino acid(s) in a non-repeat region; In silico analysis supports a deleterious effect on protein structure/function; Has not been previously published as pathogenic or benign to our knowledge

NM_001194.4(HCN2):c.2242_2274del (p.Gly748_Val758del)

Gene: HCN2 (hyperpolarization activated cyclic nucleotide gated potassium and sodium channel 2; plus strand). Cytogenetic location: 19p13.3.
Variant type: Deletion.
Coding change: c.2242_2274del on transcript NM_001194.4 (MANE Select); coding-DNA positions 2242 to 2274, 33 bases deleted.
Protein change: p.Gly748_Val758del.
Molecular consequence: inframe deletion.
Genome position (GRCh38, 1-based): chr19:616,046-616,078, 33 bases deleted; deleting any 33 consecutive bases within chr19:616,040-616,078 gives the same sequence; the c. name uses the placement nearest the transcript's 3' end. GRCh37 (hg19): chr19:616,046-616,078.
Identifiers: ClinVar variation 5017036 (VCV005017036.1).
Genomic context (GRCh38, chr19:616,039, plus strand): 5'-GGCCATCGCCACGCTGCAGCAGGCGGCGGCCATGAGCTTCTGCCCGCAGGTGGCGCGGCC[GCTCGTGGGGCCGCTGGCGCTCGGCTCGCCGCGC>G]CTCGTGCGCCGCCCGCCCCCGGGGCCCGCACCTGCCGCCGCCTCACCCGGGCCCCCGCCC-3'